The following is an entry in ClinVar:

ClinVar aggregate classification (germline): Pathogenic (1 of 4 stars; one submission).

Submission:

GeneDx
Classification: Pathogenic. Last evaluated: 2025-06-05. Review status: criteria provided, single submitter. Criteria: GeneDx Variant Classification Process June 2021. Collection method: clinical testing. Allele origin: germline. Affected: yes.
Comment: Affects a glycine residue in a Gly-X-Y motif in the triple helical region of the COL4A1 gene, where the majority of pathogenic missense variants occur, and is predicted to disrupt normal protein folding and function (HGMD; PMID: 22522439, 23225343); Not observed at significant frequency in large population cohorts (gnomAD); In silico analysis supports that this missense variant has a deleterious effect on protein structure/function; Has not been previously published as pathogenic or benign to our knowledge; This variant is associated with the following publications: (PMID: 22522439, 23225343, 22574627)

NM_001845.6(COL4A1):c.3797G>A (p.Gly1266Asp)

Gene: COL4A1 (collagen type IV alpha 1 chain; minus strand). Cytogenetic location: 13q34.
Variant type: single nucleotide variant.
Coding change: c.3797G>A on transcript NM_001845.6 (MANE Select); coding-DNA position 3797, G replaced by A.
Protein change: p.Gly1266Asp; replaces glycine 1266 with aspartic acid.
Molecular consequence: missense variant.
Genome position (GRCh38, 1-based): chr13:110,169,708, C>T on the plus strand (G>A on the coding strand, the complement: COL4A1 is on the minus strand). VCF-style: chr13-110169708-C-T. GRCh37 (hg19) VCF-style: chr13-110822055-C-T.
Other names: short protein forms G1266D.
Identifiers: ClinVar variation 372956 (VCV000372956.2), dbSNP rs1057518100, ClinGen allele CA16042819.